The following is an entry in ClinVar:

NM_001371623.1(TCOF1):c.1597A>G (p.Thr533Ala)

Gene: TCOF1 (treacle ribosome biogenesis factor 1; plus strand). Cytogenetic location: 5q32.
Variant type: single nucleotide variant.
Coding change: c.1597A>G on transcript NM_001371623.1 (MANE Select); coding-DNA position 1597, A replaced by G.
Protein change: p.Thr533Ala; replaces threonine 533 with alanine.
Molecular consequence: missense variant.
Genome position (GRCh38, 1-based): chr5:150,375,447, A>G. VCF-style: chr5-150375447-A-G. GRCh37 (hg19) VCF-style: chr5-149755010-A-G.
Other names: c.1366A>G, p.Thr456Ala (NM_000356.4, NM_001135245.2); c.1597A>G, p.Thr533Ala (NM_001008657.3, NM_001135243.2, NM_001135244.2 and 1 more transcripts); short protein forms T533A, T456A.
Identifiers: ClinVar variation 3023040 (VCV003023040.3), dbSNP rs760728462, ClinGen allele CA3510926.

ClinVar aggregate classification (germline): Uncertain significance (1 of 4 stars; one submission).

Conditions:
Treacher Collins syndrome 1 (TCS1). Also called: TCOF1-Related Treacher Collins Syndrome. Identifiers: Orphanet 861, MedGen CN315775, MONDO:0007944, OMIM 154500.

Allele frequency attached by ClinVar (database versions not stated): ExAC 0.00001; gnomAD exomes 0.00002.

Submission:

Labcorp Genetics (formerly Invitae), Labcorp
Classification: Uncertain significance for Treacher Collins syndrome 1. Last evaluated: 2022-12-30. Review status: criteria provided, single submitter. Criteria: Invitae Variant Classification Sherloc (09022015). Collection method: clinical testing. Allele origin: germline.
Comment: This sequence change replaces threonine, which is neutral and polar, with alanine, which is neutral and non-polar, at codon 533 of the TCOF1 protein (p.Thr533Ala). This variant is not present in population databases (gnomAD no frequency). This variant has not been reported in the literature in individuals affected with TCOF1-related conditions. Advanced modeling of protein sequence and biophysical properties (such as structural, functional, and spatial information, amino acid conservation, physicochemical variation, residue mobility, and thermodynamic stability) performed at Invitae indicates that this missense variant is not expected to disrupt TCOF1 protein function. In summary, the available evidence is currently insufficient to determine the role of this variant in disease. Therefore, it has been classified as a Variant of Uncertain Significance.